The following is an entry in ClinVar:

ClinVar aggregate classification (germline): Uncertain significance (1 of 4 stars; one submission).

Conditions:
RYR1-related disorder. Also called: RYR1-related condition; RYR1-related disorders. Identifiers: MedGen CN239331.

Submission:

Labcorp Genetics (formerly Invitae), Labcorp
Classification: Uncertain significance for RYR1-related disorder. Last evaluated: 2025-06-10. Review status: criteria provided, single submitter. Criteria: Invitae Variant Classification Sherloc (09022015). Collection method: clinical testing. Allele origin: germline.
Comment: This sequence change replaces glutamic acid, which is acidic and polar, with aspartic acid, which is acidic and polar, at codon 176 of the RYR1 protein (p.Glu176Asp). This variant is not present in population databases (gnomAD no frequency). This missense change has been observed in individual(s) with clinical features of RYR1-related conditions (PMID: 29635721; internal data). Invitae Evidence Modeling of protein sequence and biophysical properties (such as structural, functional, and spatial information, amino acid conservation, physicochemical variation, residue mobility, and thermodynamic stability) has been performed for this missense variant. However, the output from this modeling did not meet the statistical confidence thresholds required to predict the impact of this variant on RYR1 protein function. This variant disrupts the p.Glu176 amino acid residue in RYR1. Other variant(s) that disrupt this residue have been determined to be pathogenic (PMID: 28326467, 30236257). This suggests that this residue is clinically significant, and that variants that disrupt this residue are likely to be disease-causing. In summary, the available evidence is currently insufficient to determine the role of this variant in disease. Therefore, it has been classified as a Variant of Uncertain Significance.

Literature cited by the submitters: PubMed 29635721; PubMed 28326467; PubMed 30236257.

NM_000540.3(RYR1):c.528G>C (p.Glu176Asp)

Gene: RYR1 (ryanodine receptor 1; plus strand). Cytogenetic location: 19q13.2.
Variant type: single nucleotide variant.
Coding change: c.528G>C on transcript NM_000540.3 (MANE Select); coding-DNA position 528, G replaced by C.
Protein change: p.Glu176Asp; replaces glutamic acid 176 with aspartic acid.
Molecular consequence: missense variant.
Genome position (GRCh38, 1-based): chr19:38,444,252, G>C. VCF-style: chr19-38444252-G-C. GRCh37 (hg19) VCF-style: chr19-38934892-G-C.
Other names: c.528G>C, p.Glu176Asp (NM_001042723.2); short protein forms E176D.
Identifiers: ClinVar variation 4802110 (VCV004802110.1).